The following is an entry in ClinVar:

NM_000038.6(APC):c.1948G>A (p.Glu650Lys)

Gene: APC (APC regulator of Wnt signaling pathway; plus strand). Cytogenetic location: 5q22.2.
Variant type: single nucleotide variant.
Coding change: c.1948G>A on transcript NM_000038.6 (MANE Select); coding-DNA position 1948, G replaced by A.
Protein change: p.Glu650Lys; replaces glutamic acid 650 with lysine.
Molecular consequence: missense variant. On other transcripts: non-coding transcript variant (2).
Genome position (GRCh38, 1-based): chr5:112,835,155, G>A. VCF-style: chr5-112835155-G-A. GRCh37 (hg19) VCF-style: chr5-112170852-G-A.
Other names: c.1825G>A, p.Glu609Lys (NM_001354900.2); c.1771G>A, p.Glu591Lys (NM_001354901.2, NM_001407453.1); c.1675G>A, p.Glu559Lys (NM_001354902.2); c.1645G>A, p.Glu549Lys (NM_001354903.2, NM_001407458.1, NM_001407459.1 and 1 more transcripts); c.1570G>A, p.Glu524Lys (NM_001354904.2); c.1468G>A, p.Glu490Lys (NM_001354905.2); c.1099G>A, p.Glu367Lys (NM_001354906.2, NM_001407470.1); c.2032G>A, p.Glu678Lys (NM_001407446.1); and 11 more; short protein forms E559K, E622K, E524K, E549K, E625K, E640K, E660K, E266K.
Identifiers: ClinVar variation 4825044 (VCV004825044.1).
Genomic context (GRCh38, chr5:112,835,155, plus strand): 5'-GCCATTATTGAAAGTGGAGGTGGGATATTACGGAATGTGTCCAGCTTGATAGCTACAAAT[G>A]AGGACCACAGGTATATATAGAGTTTTATATTACTTTTAAAGTACAGAATTCATACTCTCA-3'
Protein context (NP_000029.2, residues 640-660): RNVSSLIATN[Glu650Lys]DHRQILRENN

ClinVar aggregate classification (germline): Uncertain significance (1 of 4 stars; one submission).

Conditions:
Hereditary cancer-predisposing syndrome. Also called: Neoplastic Syndromes, Hereditary; Tumor predisposition; Hereditary Cancer Syndrome; Hereditary neoplastic syndrome. Identifiers: Orphanet 140162, MedGen C0027672, MeSH D009386, MONDO:0015356.

gnomAD v4.1: 2 of 1,613,426 alleles (0.00012%); highest among the groups gnomAD compares: Non-Finnish European, 0.000085%; no homozygotes.

Submission:

Ambry Genetics
Classification: Uncertain significance for Hereditary cancer-predisposing syndrome. Last evaluated: 2026-02-11. Review status: criteria provided, single submitter. Criteria: Ambry Variant Classification Scheme 2023. Collection method: clinical testing. Allele origin: germline.
Comment: The p.E650K variant (also known as c.1948G>A), located in coding exon 14 of the APC gene, results from a G to A substitution at nucleotide position 1948. The glutamic acid at codon 650 is replaced by lysine, an amino acid with similar properties. This amino acid position is highly conserved in available vertebrate species. In addition, in silico predictors for this gene do not accurately predict pathogenicity. Missense variants in APC are not a common cause of disease (Spier I et al. Genet Med. 2024 Feb;26(2):100992). Based on the available evidence, the clinical significance of this variant remains unclear.